The following is an entry in ClinVar:

ClinVar aggregate classification (germline): Uncertain significance (1 of 4 stars; one submission).

Conditions:
KBG syndrome (KBGS). Also called: ANKRD11-Related KBG Syndrome. Identifiers: Orphanet 2332, MedGen C0220687, MONDO:0007846, OMIM 148050.

Submission:

Labcorp Genetics (formerly Invitae), Labcorp
Classification: Uncertain significance for KBG syndrome. Last evaluated: 2023-09-11. Review status: criteria provided, single submitter. Criteria: Invitae Variant Classification Sherloc (09022015). Collection method: clinical testing. Allele origin: germline.
Comment: In summary, the available evidence is currently insufficient to determine the role of this variant in disease. Therefore, it has been classified as a Variant of Uncertain Significance. Advanced modeling of protein sequence and biophysical properties (such as structural, functional, and spatial information, amino acid conservation, physicochemical variation, residue mobility, and thermodynamic stability) performed at Invitae indicates that this missense variant is not expected to disrupt ANKRD11 protein function. This variant has not been reported in the literature in individuals affected with ANKRD11-related conditions. This variant is not present in population databases (gnomAD no frequency). This sequence change replaces valine, which is neutral and non-polar, with leucine, which is neutral and non-polar, at codon 361 of the ANKRD11 protein (p.Val361Leu).

NM_013275.6(ANKRD11):c.1081G>T (p.Val361Leu)

Gene: ANKRD11 (ankyrin repeat domain 11; minus strand). Cytogenetic location: 16q24.3.
Variant type: single nucleotide variant.
Coding change: c.1081G>T on transcript NM_013275.6 (MANE Select); coding-DNA position 1081, G replaced by T.
Protein change: p.Val361Leu; replaces valine 361 with leucine.
Molecular consequence: missense variant.
Genome position (GRCh38, 1-based): chr16:89,285,461, C>A on the plus strand (G>T on the coding strand, the complement: ANKRD11 is on the minus strand). VCF-style: chr16-89285461-C-A. GRCh37 (hg19) VCF-style: chr16-89351869-C-A.
Other names: c.1081G>T, p.Val361Leu (NM_001256182.2, NM_001256183.2); short protein forms V361L.
Identifiers: ClinVar variation 2760159 (VCV002760159.3), dbSNP rs2544246320, ClinGen allele CA397165748.
Genomic context (GRCh38, chr16:89,285,461, plus strand): 5'-TAAAACTATTGGATTTCGTTTCTTTTCTGTAGTCCTTTTTCAATAGGTGCTTGTCGTCCA[C>A]CGGAGGAACCCTGTCCTGCTCGTCGTCCTCATCAAACTCATACTCGTCCTTGACGGGGGC-3'
Protein context (NP_037407.4, residues 351-371): EDDEQDRVPP[Val361Leu]DDKHLLKKDY